The following is an entry in ClinVar:

NM_021930.6(RINT1):c.1775T>C (p.Phe592Ser)

Gene: RINT1 (RAD50 interactor 1; plus strand). Cytogenetic location: 7q22.3.
Variant type: single nucleotide variant.
Coding change: c.1775T>C on transcript NM_021930.6 (MANE Select); coding-DNA position 1775, T replaced by C.
Protein change: p.Phe592Ser; replaces phenylalanine 592 with serine.
Molecular consequence: missense variant. On other transcripts: non-coding transcript variant (1).
Genome position (GRCh38, 1-based): chr7:105,563,836, T>C. VCF-style: chr7-105563836-T-C. GRCh37 (hg19) VCF-style: chr7-105204283-T-C.
Other names: c.1541T>C, p.Phe514Ser (NM_001346599.2); c.752T>C, p.Phe251Ser (NM_001346600.2, NM_001346603.2); c.851T>C, p.Phe284Ser (NM_001346601.2); short protein forms F251S, F514S, F284S, F592S.
Identifiers: ClinVar variation 4154610 (VCV004154610.1).
Genomic context (GRCh38, chr7:105,563,836, plus strand): 5'-AGAATAATACTCTGAGTAAATTGCAGCTAGGACAGCTAGCCTCTATGGAGAGCTCTGTCT[T>C]TGATGACATGATTAACCTCTTAGAACGTTTAAAGCATGATATGTTGACCCGTCAAGTAGA-3'
Protein context (NP_068749.3, residues 582-602): GQLASMESSV[Phe592Ser]DDMINLLERL

ClinVar aggregate classification (germline): Uncertain significance (1 of 4 stars; one submission).

gnomAD v4.1: 1 of 1,614,152 alleles (0.000062%); no homozygotes.

Submission:

Ambry Genetics
Classification: Uncertain significance. Last evaluated: 2025-07-28. Review status: criteria provided, single submitter. Criteria: Ambry Variant Classification Scheme 2023. Collection method: clinical testing. Allele origin: germline.
Comment: The p.F592S variant (also known as c.1775T>C), located in coding exon 12 of the RINT1 gene, results from a T to C substitution at nucleotide position 1775. The phenylalanine at codon 592 is replaced by serine, an amino acid with highly dissimilar properties. This amino acid position is conserved. In addition, this alteration is predicted to be deleterious by in silico analysis. Based on the available evidence, the clinical significance of this variant remains unclear.